The following is an entry in ClinVar:

NM_001145809.2(MYH14):c.4087C>T (p.Arg1363Cys)

Gene: MYH14 (myosin heavy chain 14; plus strand). Cytogenetic location: 19q13.33.
Variant type: single nucleotide variant.
Coding change: c.4087C>T on transcript NM_001145809.2 (MANE Select); coding-DNA position 4087, C replaced by T.
Protein change: p.Arg1363Cys; replaces arginine 1363 with cysteine.
Molecular consequence: missense variant.
Genome position (GRCh38, 1-based): chr19:50,280,091, C>T. VCF-style: chr19-50280091-C-T. GRCh37 (hg19) VCF-style: chr19-50783348-C-T.
Other names: c.3988C>T, p.Arg1330Cys (NM_001077186.2); c.3964C>T, p.Arg1322Cys (NM_024729.4); short protein forms R1322C, R1330C, R1363C.
Identifiers: ClinVar variation 1195791 (VCV001195791.8), dbSNP rs375687883, ClinGen allele CA9593423.

ClinVar aggregate classification (germline): Uncertain significance. Review status: criteria provided, multiple submitters, no conflicts (2 of 4 stars). 2 submissions from 2 submitters: Uncertain significance (2). Last evaluated 2025-10-06.

Conditions:
Inborn genetic diseases. Identifiers: MedGen C0950123, MeSH D030342.

Allele frequency attached by ClinVar (database versions not stated): ESP Exome Variant Server 0.00008; ExAC 0.00001; TOPMed 0.00009.
gnomAD v4.1: 31 of 1,610,584 alleles (0.0019%); highest among the groups gnomAD compares: African/African-American, 0.0093%; no homozygotes.

Submissions (2):

GeneDx
Classification: Uncertain significance. Last evaluated: 2025-10-06. Review status: criteria provided, single submitter. Criteria: GeneDx Variant Classification Process June 2021. Collection method: clinical testing. Allele origin: germline. Affected: yes.
Comment: In silico analysis supports that this missense variant has a deleterious effect on protein structure/function; Has not been previously published as pathogenic or benign to our knowledge

Ambry Genetics
Classification: Uncertain significance for Inborn genetic diseases. Last evaluated: 2023-07-05. Review status: criteria provided, single submitter. Criteria: Ambry Variant Classification Scheme 2023. Collection method: clinical testing. Allele origin: germline.